The following is an entry in ClinVar:

NM_024598.4(USB1):c.639G>C (p.Trp213Cys)

Gene: USB1 (U6 snRNA biogenesis phosphodiesterase 1; plus strand). Cytogenetic location: 16q21.
Variant type: single nucleotide variant.
Coding change: c.639G>C on transcript NM_024598.4 (MANE Select); coding-DNA position 639, G replaced by C.
Protein change: p.Trp213Cys; replaces tryptophan 213 with cysteine.
Molecular consequence: missense variant.
Genome position (GRCh38, 1-based): chr16:58,019,001, G>C. VCF-style: chr16-58019001-G-C. GRCh37 (hg19) VCF-style: chr16-58052905-G-C.
Other names: c.585G>C, p.Trp195Cys (NM_001195302.2); c.486G>C, p.Trp162Cys (NM_001330568.2); short protein forms W213C, W195C, W162C.
Identifiers: ClinVar variation 4634186 (VCV004634186.1).
Genomic context (GRCh38, chr16:58,019,001, plus strand): 5'-GTGACTGCCTGCCTCTCGTTTCCCTCCCCAGGATCCTTCTTTCCACCTCAGCCTGGCCTG[G>C]TGTGTGGGTGATGCACGTCTCCAGCTGGAGGGGCAGTGCCTGCAGGAACTACAGGTGAAT-3'
Protein context (NP_078874.2, residues 203-223): QDPSFHLSLA[Trp213Cys]CVGDARLQLE

ClinVar aggregate classification (germline): Uncertain significance (1 of 4 stars; one submission).

Conditions:
Inborn genetic diseases. Identifiers: MedGen C0950123, MeSH D030342.

gnomAD v4.1: 7 of 1,614,074 alleles (0.00043%); highest among the groups gnomAD compares: Admixed American, 0.012%; no homozygotes.

Submission:

Ambry Genetics
Classification: Uncertain significance for Inborn genetic diseases. Last evaluated: 2025-09-28. Review status: criteria provided, single submitter. Criteria: Ambry Variant Classification Scheme 2023. Collection method: clinical testing. Allele origin: germline.
Comment: The p.W213C variant (also known as c.639G>C), located in coding exon 6 of the USB1 gene, results from a G to C substitution at nucleotide position 639. The tryptophan at codon 213 is replaced by cysteine, an amino acid with highly dissimilar properties. This amino acid position is conserved. In addition, this alteration is predicted to be deleterious by in silico analysis. Based on the available evidence, the clinical significance of this variant remains unclear.